The following is an entry in ClinVar:

ClinVar aggregate classification (germline): Pathogenic (1 of 4 stars; one submission).

Submission:

Labcorp Genetics (formerly Invitae), Labcorp
Classification: Pathogenic. Last evaluated: 2023-07-14. Review status: criteria provided, single submitter. Criteria: Invitae Variant Classification Sherloc (09022015). Collection method: clinical testing. Allele origin: unknown.
Comment: This variant is a gross deletion of the genomic region encompassing exon(s) 3-14 of the PCDH15 gene. This deletion is out-of-frame, and is expected to create a premature termination codon and result in an absent or disrupted protein product. Loss-of-function variants in PCDH15 are known to be pathogenic (PMID: 11398101, 11487575, 14570705). This variant has not been reported in the literature in individuals affected with PCDH15-related conditions. For these reasons, this variant has been classified as Pathogenic.

Literature cited by the submitters: PubMed 11398101; PubMed 11487575; PubMed 14570705.

NC_000010.10:g.(?_55912840)_(56287657_?)del

Gene: PCDH15 (protocadherin related 15; minus strand). Cytogenetic location: 10q21.1.
Variant type: Deletion.
Identifiers: ClinVar variation 3245023 (VCV003245023.1).